The following is an entry in ClinVar:

NM_016604.4(KDM3B):c.1312G>A (p.Asp438Asn)

Gene: KDM3B (lysine demethylase 3B; plus strand). Cytogenetic location: 5q31.2.
Variant type: single nucleotide variant.
Coding change: c.1312G>A on transcript NM_016604.4 (MANE Select); coding-DNA position 1312, G replaced by A.
Protein change: p.Asp438Asn; replaces aspartic acid 438 with asparagine.
Molecular consequence: missense variant.
Genome position (GRCh38, 1-based): chr5:138,386,553, G>A. VCF-style: chr5-138386553-G-A. GRCh37 (hg19) VCF-style: chr5-137722242-G-A.
Other names: short protein forms D438N.
Identifiers: ClinVar variation 3032202 (VCV003032202.2), dbSNP rs200210901, ClinGen allele CA3428885.
Genomic context (GRCh38, chr5:138,386,553, plus strand): 5'-GTGGCTTCCGCAGCTGTGGTCACTACCGCCAGCTCCACCCCAAACACAGTGAGGATCTCA[G>A]ACACTGGCCTTGCAGCAGGGACTGTGCCAGAAAAACAGAAAGGCAGCCGGTCGCAGGCCT-3'
Protein context (NP_057688.3, residues 428-448): SSTPNTVRIS[Asp438Asn]TGLAAGTVPE

ClinVar aggregate classification (germline): Likely benign (0 of 4 stars; one submission).

Conditions:
KDM3B-related disorder. Also called: KDM3B-related condition.

Allele frequency attached by ClinVar (database versions not stated): TOPMed 0.00003; gnomAD 0.00011; ExAC 0.00019; gnomAD exomes 0.00027; 1000 Genomes Project 30x 0.00047; 1000 Genomes Project 0.00060.
gnomAD v4.1: 397 of 1,614,204 alleles (0.025%); highest among the groups gnomAD compares: East Asian, 0.87%; 7 homozygotes.

Submission:

PreventionGenetics, part of Exact Sciences
Classification: Likely benign for KDM3B-related condition. Last evaluated: 2024-01-25. Review status: no assertion criteria provided. Collection method: clinical testing. Allele origin: germline.
Comment: This variant is classified as likely benign based on ACMG/AMP sequence variant interpretation guidelines (Richards et al. 2015 PMID: 25741868, with internal and published modifications).